The following is an entry in ClinVar:

NM_000287.4(PEX6):c.2681C>T (p.Pro894Leu)

Gene: PEX6 (peroxisomal biogenesis factor 6; minus strand). Cytogenetic location: 6p21.1.
Variant type: single nucleotide variant.
Coding change: c.2681C>T on transcript NM_000287.4 (MANE Select); coding-DNA position 2681, C replaced by T.
Protein change: p.Pro894Leu; replaces proline 894 with leucine.
Molecular consequence: missense variant. On other transcripts: non-coding transcript variant (1).
Genome position (GRCh38, 1-based): chr6:42,964,915, G>A on the plus strand (C>T on the coding strand, the complement: PEX6 is on the minus strand). VCF-style: chr6-42964915-G-A. GRCh37 (hg19) VCF-style: chr6-42932653-G-A.
Other names: c.2417C>T, p.Pro806Leu (NM_001316313.2); c.2681C>T (NM_000287.3); short protein forms P806L, P894L.
Identifiers: ClinVar variation 1401297 (VCV001401297.9), dbSNP rs1040199114, ClinGen allele CA364150489.
Genomic context (GRCh38, chr6:42,964,915, plus strand): 5'-AGGTCCGCGCCCGTCAGCTGGGGAGGGCAGCAATCTAGCACGTTTACCAGGCTCACAGAT[G>A]GCTCTAGCTTGAATCTGTTGTGGGATACAGGAAGAAACAGAGTTGGCATCACCTCCTCCC-3'
Protein context (NP_000278.3, residues 884-904): SAITRKFKLE[Pro894Leu]SVSLVNVLDC

ClinVar aggregate classification (germline): Uncertain significance. Review status: criteria provided, multiple submitters, no conflicts (2 of 4 stars). 2 submissions from 2 submitters: Uncertain significance (2). Last evaluated 2025-02-05.

Conditions:
PEX6-related disorder. Also called: PEX6-related condition; PEX6-related disorders.
Peroxisome biogenesis disorder. Identifiers: Orphanet 79189, MedGen C1832200, MONDO:0019234. Disease mechanism: loss of function.

Allele frequency attached by ClinVar (database versions not stated): gnomAD 0.00001; gnomAD exomes below 0.00001.
gnomAD v4.1: 3 of 1,614,038 alleles (0.00019%); highest among the groups gnomAD compares: Non-Finnish European, 0.00025%; no homozygotes.

Submissions (2):

PreventionGenetics, part of Exact Sciences
Classification: Uncertain significance for PEX6-related condition. Last evaluated: 2025-02-05. Review status: criteria provided, single submitter. Criteria: ACMG Guidelines, 2015. Collection method: clinical testing. Allele origin: germline.
Comment: The PEX6 c.2681C>T variant is predicted to result in the amino acid substitution p.Pro894Leu. To our knowledge, this variant has not been reported in the literature. This variant is reported in 0.00088% of alleles in individuals of European (non-Finnish) descent in gnomAD. At this time, the clinical significance of this variant is uncertain due to the absence of conclusive functional and genetic evidence.

Labcorp Genetics (formerly Invitae), Labcorp
Classification: Uncertain significance for Peroxisome biogenesis disorder. Last evaluated: 2022-07-04. Review status: criteria provided, single submitter. Criteria: Invitae Variant Classification Sherloc (09022015). Collection method: clinical testing. Allele origin: germline.
Comment: This sequence change replaces proline, which is neutral and non-polar, with leucine, which is neutral and non-polar, at codon 894 of the PEX6 protein (p.Pro894Leu). This variant is present in population databases (no rsID available, gnomAD 0.0009%). This variant has not been reported in the literature in individuals affected with PEX6-related conditions. ClinVar contains an entry for this variant (Variation ID: 1401297). Algorithms developed to predict the effect of missense changes on protein structure and function (SIFT, PolyPhen-2, Align-GVGD) all suggest that this variant is likely to be tolerated. In summary, the available evidence is currently insufficient to determine the role of this variant in disease. Therefore, it has been classified as a Variant of Uncertain Significance.